The following is an entry in ClinVar:

Conditions:
Arteriohepatic dysplasia. Also called: Alagille Syndrome. Identifiers: Orphanet 52, MedGen C0085280, MeSH D016738, MONDO:0007318.

Submission:

Gilbert/Spinner Lab, Children's Hospital of Philadelphia
No classification provided (evidence only). Condition: Alagille syndrome. Review status: no classification provided. Collection method: research. Allele origin: not applicable. Functional consequence: functionally_abnormal.
ClinVar note: "not provided" was previously submitted as the classification for the variant. However, the classification appeared to be based only on an observation of functional data so it was converted to no classification on 2025-07-30.

NM_000214.3(JAG1):c.367C>A (p.Pro123Thr)

Gene: JAG1 (jagged canonical Notch ligand 1; minus strand). Cytogenetic location: 20p12.2.
Variant type: single nucleotide variant.
Coding change: c.367C>A on transcript NM_000214.3 (MANE Select); coding-DNA position 367, C replaced by A.
Protein change: p.Pro123Thr; replaces proline 123 with threonine.
Molecular consequence: missense variant.
Genome position (GRCh38, 1-based): chr20:10,672,721, G>T on the plus strand (C>A on the coding strand, the complement: JAG1 is on the minus strand). VCF-style: chr20-10672721-G-T. GRCh37 (hg19) VCF-style: chr20-10653369-G-T.
Other names: short protein forms P123T.
Identifiers: ClinVar variation 3573277 (VCV003573277.2).